The following is an entry in ClinVar:

NM_001134363.3(RBM20):c.3293C>T (p.Ala1098Val)

Gene: RBM20 (RNA binding motif protein 20; plus strand). Cytogenetic location: 10q25.2.
Variant type: single nucleotide variant.
Coding change: c.3293C>T on transcript NM_001134363.3 (MANE Select); coding-DNA position 3293, C replaced by T.
Protein change: p.Ala1098Val; replaces alanine 1098 with valine.
Molecular consequence: missense variant.
Genome position (GRCh38, 1-based): chr10:110,821,912, C>T. VCF-style: chr10-110821912-C-T. GRCh37 (hg19) VCF-style: chr10-112581670-C-T.
Other names: short protein forms A1098V.
Identifiers: ClinVar variation 3706980 (VCV003706980.3).

ClinVar aggregate classification (germline): Uncertain significance. Review status: criteria provided, multiple submitters, no conflicts (2 of 4 stars). 2 submissions from 2 submitters: Uncertain significance (2). Last evaluated 2026-03-09.

Conditions:
Dilated cardiomyopathy 1DD (CMD1DD). Identifiers: Orphanet 154, MedGen C2750995, MONDO:0013168, OMIM 613172.
Cardiovascular phenotype. Identifiers: MedGen CN230736.

gnomAD v4.1: 3 of 1,551,744 alleles (0.00019%); highest among the groups gnomAD compares: South Asian, 0.0012%; no homozygotes.

Submissions (2):

Ambry Genetics
Classification: Uncertain significance for Cardiovascular phenotype. Last evaluated: 2026-03-09. Review status: criteria provided, single submitter. Criteria: Ambry Variant Classification Scheme 2023. Collection method: clinical testing. Allele origin: germline.
Comment: The p.A1098V variant (also known as c.3293C>T), located in coding exon 11 of the RBM20 gene, results from a C to T substitution at nucleotide position 3293. The alanine at codon 1098 is replaced by valine, an amino acid with similar properties. This amino acid position is conserved. In addition, this alteration is predicted to be tolerated by in silico analysis. Based on the available evidence, the clinical significance of this variant remains unclear.

Labcorp Genetics (formerly Invitae), Labcorp
Classification: Uncertain significance for Dilated cardiomyopathy 1DD. Last evaluated: 2024-12-12. Review status: criteria provided, single submitter. Criteria: Invitae Variant Classification Sherloc (09022015). Collection method: clinical testing. Allele origin: germline.
Comment: This sequence change replaces alanine, which is neutral and non-polar, with valine, which is neutral and non-polar, at codon 1098 of the RBM20 protein (p.Ala1098Val). This variant is not present in population databases (gnomAD no frequency). This variant has not been reported in the literature in individuals affected with RBM20-related conditions. Invitae Evidence Modeling of protein sequence and biophysical properties (such as structural, functional, and spatial information, amino acid conservation, physicochemical variation, residue mobility, and thermodynamic stability) indicates that this missense variant is not expected to disrupt RBM20 protein function with a negative predictive value of 95%. In summary, the available evidence is currently insufficient to determine the role of this variant in disease. Therefore, it has been classified as a Variant of Uncertain Significance.